The following is an entry in ClinVar:

NM_080680.3(COL11A2):c.1297C>T (p.Arg433Ter)

Gene: COL11A2 (collagen type XI alpha 2 chain; minus strand). Cytogenetic location: 6p21.32.
Variant type: single nucleotide variant.
Coding change: c.1297C>T on transcript NM_080680.3 (MANE Select); coding-DNA position 1297, C replaced by T.
Protein change: p.Arg433Ter; replaces arginine 433 with a stop codon.
Molecular consequence: nonsense.
Genome position (GRCh38, 1-based): chr6:33,180,320, G>A on the plus strand (C>T on the coding strand, the complement: COL11A2 is on the minus strand). VCF-style: chr6-33180320-G-A. GRCh37 (hg19) VCF-style: chr6-33148097-G-A.
Other names: c.1117C>T, p.Arg373Ter (NM_001424108.1); c.451C>T, p.Arg151Ter (NM_001424109.1); c.271C>T, p.Arg91Ter (NM_001424110.1, NM_001424111.1); c.976C>T, p.Arg326Ter (NM_080679.3); c.1039C>T, p.Arg347Ter (NM_080681.3); c.1297C>T (NM_080680.2); short protein forms R151*, R347*, R326*, R373*, R91*, R433*.
Identifiers: ClinVar variation 3017031 (VCV003017031.7), dbSNP rs764045158, ClinGen allele CA363606238.

ClinVar aggregate classification (germline): Pathogenic/Likely pathogenic. Review status: criteria provided, multiple submitters, no conflicts (2 of 4 stars). 4 submissions from 4 submitters: Pathogenic (2); Likely pathogenic (2). Last evaluated 2025-10-30.

Conditions:
Otospondylomegaepiphyseal dysplasia, autosomal dominant (OSMEDA). Also called: Stickler syndrome, type 3; COL11A2-Related Stickler Syndrome; Pierre Robin syndrome with fetal chondrodysplasia. Identifiers: Orphanet 166100, Orphanet 3450, MedGen C1848488, MONDO:0008490, OMIM 184840.
Autosomal recessive nonsyndromic hearing loss 53. Identifiers: Orphanet 90636, MedGen C1864746, MONDO:0012333, OMIM 609706.
Autosomal dominant nonsyndromic hearing loss 13. Identifiers: Orphanet 90635, MedGen C1866095, MONDO:0011159, OMIM 601868.
Otospondylomegaepiphyseal dysplasia, autosomal recessive (OSMEDB). Also called: CHONDRODYSTROPHY WITH SENSORINEURAL DEAFNESS; Insley-Astley syndrome. Identifiers: Orphanet 1427, MedGen CN034493, MONDO:0044206, OMIM 215150.
Fibrochondrogenesis 2 (FBCG2). Identifiers: Orphanet 2021, MedGen C3281128, MONDO:0013795, OMIM 614524.

Allele frequency attached by ClinVar (database versions not stated): TOPMed 0.00001.

Submissions (4):

Dasa
Classification: Likely pathogenic. Last evaluated: 2025-10-30. Review status: criteria provided, single submitter. Criteria: DASA Assertion Criteria. Collection method: clinical testing. Allele origin: germline.
Comment: NM_080680.3(COL11A2):c.1297C>T (p.Arg433*) is a nonsense variant in COL11A2 predicted to introduce a premature termination codon and is predicted to result in an absent or altered protein product. Loss of function is an established disease mechanism for COL11A2-associated disorders. This variant has been reported in individuals with COL11A2-related disorders (PMID: 37108562). Also, this variant is rare in population databases. Based on the currently available evidence, this variant is classified as likely pathogenic.

GeneDx
Classification: Likely pathogenic. Last evaluated: 2025-06-26. Review status: criteria provided, single submitter. Criteria: GeneDx Variant Classification Process June 2021. Collection method: clinical testing. Allele origin: germline. Affected: yes.
Comment: Identified with a second COL11A2 variant, phase unknown, in a patient with nonsyndromic hearing loss in the published literature (PMID: 37108562); Nonsense variant predicted to result in protein truncation or nonsense mediated decay in a gene for which loss of function is a known mechanism of disease; Not observed at significant frequency in large population cohorts (gnomAD); This variant is associated with the following publications: (PMID: 37108562)

Fulgent Genetics
Classification: Pathogenic for Otospondylomegaepiphyseal dysplasia, autosomal dominant; Otospondylomegaepiphyseal dysplasia, autosomal recessive; Autosomal dominant nonsyndromic hearing loss 13; Autosomal recessive nonsyndromic hearing loss 53; Fibrochondrogenesis 2. Last evaluated: 2024-05-31. Review status: criteria provided, single submitter. Criteria: ACMG Guidelines, 2015. Collection method: clinical testing. Allele origin: germline.

Labcorp Genetics (formerly Invitae), Labcorp
Classification: Pathogenic. Last evaluated: 2023-11-25. Review status: criteria provided, single submitter. Criteria: Invitae Variant Classification Sherloc (09022015). Collection method: clinical testing. Allele origin: germline.
Comment: This sequence change creates a premature translational stop signal (p.Arg433*) in the COL11A2 gene. It is expected to result in an absent or disrupted protein product. Loss-of-function variants in COL11A2 are known to be pathogenic (PMID: 10677296, 21204229). This variant is not present in population databases (gnomAD no frequency). This variant has not been reported in the literature in individuals affected with COL11A2-related conditions. For these reasons, this variant has been classified as Pathogenic.

Literature cited by the submitters: PubMed 37108562 (cited by Dasa); PubMed 10677296 (cited by Labcorp Genetics (formerly Invitae), Labcorp); PubMed 21204229 (cited by Labcorp Genetics (formerly Invitae), Labcorp).